The following is an entry in ClinVar:

NM_001739.2(CA5A):c.433G>A (p.Val145Met)

Gene: CA5A (carbonic anhydrase 5A; minus strand). Cytogenetic location: 16q24.2.
Variant type: single nucleotide variant.
Coding change: c.433G>A on transcript NM_001739.2 (MANE Select); coding-DNA position 433, G replaced by A.
Protein change: p.Val145Met; replaces valine 145 with methionine.
Molecular consequence: missense variant. On other transcripts: non-coding transcript variant (1).
Genome position (GRCh38, 1-based): chr16:87,904,812, C>T on the plus strand (G>A on the coding strand, the complement: CA5A is on the minus strand). VCF-style: chr16-87904812-C-T. GRCh37 (hg19) VCF-style: chr16-87938418-C-T.
Other names: c.433G>A (NM_001739.1); c.433G>A, p.Val145Met (NM_001367225.1); short protein forms V145M.
Identifiers: ClinVar variation 1504037 (VCV001504037.6), dbSNP rs138476706, ClinGen allele CA8223496.

ClinVar aggregate classification (germline): Uncertain significance. Review status: criteria provided, multiple submitters, no conflicts (2 of 4 stars). 2 submissions from 2 submitters: Uncertain significance (2). Last evaluated 2023-12-11.

Conditions:
Inborn genetic diseases. Identifiers: MedGen C0950123, MeSH D030342.
Hyperammonemic encephalopathy due to carbonic anhydrase VA deficiency. Also called: Carbonic anhydrase VA deficiency, hyperammonemia due to; Carbonic Anhydrase VA Deficiency. Identifiers: Orphanet 401948, MedGen C4706871, MONDO:0014332, OMIM 615751.

Allele frequency attached by ClinVar (database versions not stated): ExAC 0.00009; gnomAD exomes 0.00009 and 0.00020; ESP Exome Variant Server 0.00015; TOPMed 0.00015; gnomAD 0.00017 and 0.00018.
gnomAD v4.1: 304 of 1,611,426 alleles (0.019%); highest among the groups gnomAD compares: Non-Finnish European, 0.025%; no homozygotes.

Submissions (2):

Labcorp Genetics (formerly Invitae), Labcorp
Classification: Uncertain significance for Hyperammonemic encephalopathy due to carbonic anhydrase VA deficiency. Last evaluated: 2023-12-11. Review status: criteria provided, single submitter. Criteria: Invitae Variant Classification Sherloc (09022015). Collection method: clinical testing. Allele origin: germline.
Comment: This sequence change replaces valine, which is neutral and non-polar, with methionine, which is neutral and non-polar, at codon 145 of the CA5A protein (p.Val145Met). This variant is present in population databases (rs138476706, gnomAD 0.02%). This variant has not been reported in the literature in individuals affected with CA5A-related conditions. ClinVar contains an entry for this variant (Variation ID: 1504037). Advanced modeling of protein sequence and biophysical properties (such as structural, functional, and spatial information, amino acid conservation, physicochemical variation, residue mobility, and thermodynamic stability) has been performed at Invitae for this missense variant, however the output from this modeling did not meet the statistical confidence thresholds required to predict the impact of this variant on CA5A protein function. In summary, the available evidence is currently insufficient to determine the role of this variant in disease. Therefore, it has been classified as a Variant of Uncertain Significance.

Ambry Genetics
Classification: Uncertain significance for Inborn genetic diseases. Last evaluated: 2023-08-23. Review status: criteria provided, single submitter. Criteria: Ambry Variant Classification Scheme 2023. Collection method: clinical testing. Allele origin: germline.
Comment: The c.433G>A (p.V145M) alteration is located in exon 3 (coding exon 3) of the CA5A gene. This alteration results from a G to A substitution at nucleotide position 433, causing the valine (V) at amino acid position 145 to be replaced by a methionine (M). The p.V145M alteration is predicted to be tolerated by in silico analysis. Based on insufficient or conflicting evidence, the clinical significance of this alteration remains unclear.